The following is an entry in ClinVar:

ClinVar aggregate classification (germline): Likely benign. Review status: criteria provided, single submitter (1 of 4 stars). 2 submissions from 2 submitters: Likely benign (1). 1 of the submissions does not count toward it. Last evaluated 2025-06-12.

Conditions:
IFT172-related disorder. Also called: IFT172-related condition; IFT172-related disorders.
Short-rib thoracic dysplasia 10 with or without polydactyly (SRTD10). Identifiers: Orphanet 474, MedGen C3810175, MONDO:0014284, OMIM 615630.
Retinitis pigmentosa 71 (RP71). Identifiers: Orphanet 791, MedGen C4225342, MONDO:0014618, OMIM 616394.

Allele frequency attached by ClinVar (database versions not stated): gnomAD exomes below 0.00001 and 0.00001; ExAC 0.00001; gnomAD 0.00001 and 0.00002; TOPMed 0.00008; 1000 Genomes Project 0.00020; 1000 Genomes Project 30x 0.00031.
gnomAD v4.1: 6 of 1,614,156 alleles (0.00037%); highest among the groups gnomAD compares: African/African-American, 0.0067%; no homozygotes.

Submissions (2):

Labcorp Genetics (formerly Invitae), Labcorp
Classification: Likely benign for Retinitis pigmentosa 71; Short-rib thoracic dysplasia 10 with or without polydactyly. Last evaluated: 2025-06-12. Review status: criteria provided, single submitter. Criteria: Invitae Variant Classification Sherloc (09022015). Collection method: clinical testing. Allele origin: germline.

PreventionGenetics, part of Exact Sciences
Classification: Likely benign for IFT172-related condition. Last evaluated: 2020-10-27. Review status: no assertion criteria provided. Collection method: clinical testing. Allele origin: germline. Not counted in ClinVar's aggregate classification.
Comment: This variant is classified as likely benign based on ACMG/AMP sequence variant interpretation guidelines (Richards et al. 2015 PMID: 25741868, with internal and published modifications).

NM_015662.3(IFT172):c.1092A>G (p.Gly364=)

Gene: IFT172 (intraflagellar transport 172; minus strand). Cytogenetic location: 2p23.3.
Variant type: single nucleotide variant.
Coding change: c.1092A>G on transcript NM_015662.3 (MANE Select); coding-DNA position 1092, A replaced by G.
Protein change: p.Gly364=; no amino-acid change (glycine 364 retained).
Molecular consequence: synonymous variant.
Genome position (GRCh38, 1-based): chr2:27,478,070, T>C on the plus strand (A>G on the coding strand, the complement: IFT172 is on the minus strand). VCF-style: chr2-27478070-T-C. GRCh37 (hg19) VCF-style: chr2-27700937-T-C.
Other names: c.1092A>G (NM_015662.2).
Identifiers: ClinVar variation 1576570 (VCV001576570.9), dbSNP rs575297457, ClinGen allele CA1580776.